The following is an entry in ClinVar:

ClinVar aggregate classification (germline): Pathogenic/Likely pathogenic. Review status: criteria provided, multiple submitters, no conflicts (2 of 4 stars). 7 submissions from 7 submitters: Pathogenic (5); Likely pathogenic (1). 1 of the submissions does not count toward it. Last evaluated 2025-09-02.

Conditions:
Wilson disease (WND). Also called: Wilson's disease. Identifiers: Orphanet 905, MedGen C0019202, MONDO:0010200, OMIM 277900. Disease mechanism: loss of function.

Allele frequency attached by ClinVar (database versions not stated): gnomAD exomes below 0.00001; TOPMed 0.00001.

Submissions (7):

Natera, Inc.
Classification: Likely pathogenic for Wilson disease. Last evaluated: 2025-09-02. Review status: criteria provided, single submitter. Criteria: Natera Variant Classification Schema (03/2026). Collection method: clinical testing. Allele origin: germline.
Comment: The c.1739delA variant in ATP7B is a frameshift variant predicted to shift the reading frame beginning at codon 580 and leads to a stop codon 3 codons downstream. This variant is expected to result in nonsense mediated decay, truncation, or a dysfunctional protein product. This variant is rare in the general population with a frequency below the threshold expected for the associated phenotype(s). Given the available evidence, this variant is classified as Likely Pathogenic.

GeneDx
Classification: Pathogenic. Last evaluated: 2024-01-17. Review status: criteria provided, single submitter. Criteria: GeneDx Variant Classification Process June 2021. Collection method: clinical testing. Allele origin: germline. Affected: yes.
Comment: Not observed at significant frequency in large population cohorts (gnomAD); Frameshift variant predicted to result in protein truncation or nonsense mediated decay in a gene for which loss of function is a known mechanism of disease; This variant is associated with the following publications: (PMID: 35940888, 31059521, 29649982, 31980526, 22484412, 32043565)

Labcorp Genetics (formerly Invitae), Labcorp
Classification: Pathogenic for Wilson disease. Last evaluated: 2023-10-02. Review status: criteria provided, single submitter. Criteria: Invitae Variant Classification Sherloc (09022015). Collection method: clinical testing. Allele origin: germline.
Comment: This variant is not present in population databases (gnomAD no frequency). For these reasons, this variant has been classified as Pathogenic. ClinVar contains an entry for this variant (Variation ID: 553339). This premature translational stop signal has been observed in individual(s) with clinical features of Wilson disease (PMID: 22484412, 32043565). This sequence change creates a premature translational stop signal (p.His580Profs*3) in the ATP7B gene. It is expected to result in an absent or disrupted protein product. Loss-of-function variants in ATP7B are known to be pathogenic (PMID: 10441329, 16283883).

Genome-Nilou Lab
Classification: Pathogenic for Wilson disease. Last evaluated: 2021-08-10. Review status: criteria provided, single submitter. Criteria: ACMG Guidelines, 2015. Collection method: clinical testing. Allele origin: germline. Affected: no.

Women's Health and Genetics/Laboratory Corporation of America, LabCorp
Classification: Pathogenic for Wilson disease. Last evaluated: 2021-02-13. Review status: criteria provided, single submitter. Criteria: LabCorp Variant Classification Summary - May 2015. Collection method: clinical testing. Allele origin: germline.
Comment: Variant summary: ATP7B c.1739delA (p.His580ProfsX3) results in a premature termination codon, predicted to cause a truncation of the encoded protein or absence of the protein due to nonsense mediated decay, which are commonly known mechanisms for disease. Truncations downstream of this position have been classified as pathogenic by our laboratory. The variant was absent in 249574 control chromosomes. c.1739delA has been reported in the literature in individuals affected with Wilson Disease and has been subsequently cited by others (example, Lepori_2012, Sanchez-Monteagudo_2020, Chen Claire Hou_2020, Liu_2018, Singh_2019). These data indicate that the variant is associated with disease. To our knowledge, no experimental evidence demonstrating an impact on protein function has been reported. One clinical diagnostic laboratory has submitted clinical-significance assessments for this variant to ClinVar after 2014 and classified the variant as likely pathogenic citing one overlapping publication utilized in the context of this evaluation. Based on the evidence outlined above, the variant was classified as pathogenic.

Clinical Genetics Service, Universitary Hospital 12 de Octubre
Classification: Pathogenic for Wilson disease. Review status: criteria provided, single submitter. Criteria: ACMG Guidelines, 2015. Collection method: clinical testing. Allele origin: paternal. Affected: yes.

Counsyl
Classification: Likely pathogenic for Wilson disease. Last evaluated: 2017-08-16. Review status: no assertion criteria provided. Collection method: clinical testing. Allele origin: unknown. Not counted in ClinVar's aggregate classification.

Literature cited by the submitters: PubMed 22484412 (cited by 3 submitters); PubMed 32043565 (cited by Labcorp Genetics (formerly Invitae), Labcorp and Women's Health and Genetics/Laboratory Corporation of America, LabCorp); PubMed 10441329 (cited by Labcorp Genetics (formerly Invitae), Labcorp); PubMed 16283883 (cited by Labcorp Genetics (formerly Invitae), Labcorp); PubMed 29649982 (cited by Women's Health and Genetics/Laboratory Corporation of America, LabCorp); PubMed 31059521 (cited by Women's Health and Genetics/Laboratory Corporation of America, LabCorp); PubMed 31980526 (cited by Women's Health and Genetics/Laboratory Corporation of America, LabCorp).

NM_000053.4(ATP7B):c.1739del (p.His580fs)

Gene: ATP7B (ATPase copper transporting beta; minus strand). Cytogenetic location: 13q14.3.
Variant type: Deletion.
Coding change: c.1739del on transcript NM_000053.4 (MANE Select); coding-DNA position 1739, one base deleted (A; older notation c.1739delA).
Protein change: p.His580fs; shifts the reading frame from histidine 580.
Molecular consequence: frameshift variant.
Genome position (GRCh38, 1-based): chr13:51,965,002, T deleted on the plus strand (A on the coding strand, the reverse complement: ATP7B is on the minus strand). VCF-style (leftmost placement, unchanged base first): chr13-51965001-GT-G. GRCh37 (hg19) VCF-style: chr13-52539137-GT-G.
Other names: c.1739del, p.His580fs (NM_001005918.3, NM_001330578.2, NM_001330579.2); c.1406del, p.His469fs (NM_001243182.2); c.1739del (NM_000053.3); short protein forms H469fs, H580fs.
Identifiers: ClinVar variation 553339 (VCV000553339.11), dbSNP rs1555293357, ClinGen allele CA658823715.